The following is an entry in ClinVar:

ClinVar aggregate classification (germline): Pathogenic/Likely pathogenic. Review status: criteria provided, multiple submitters, no conflicts (2 of 4 stars). 12 submissions from 12 submitters: Pathogenic (5); Likely pathogenic (3). 4 of the submissions do not count toward it. Last evaluated 2026-01-11.

Conditions:
NPHS1-related disorder. Also called: NPHS1-related condition.
Nephrotic syndrome. Identifiers: MedGen C0027726, MONDO:0005377, HP:0000100.
Finnish congenital nephrotic syndrome (NPHS1). Also called: NEPHROTIC SYNDROME, TYPE 1. Identifiers: Orphanet 839, MedGen C0403399, MONDO:0009732, OMIM 256300.

Allele frequency attached by ClinVar (database versions not stated): gnomAD exomes 0.00001 and 0.00002; TOPMed 0.00001; ExAC 0.00002; gnomAD 0.00001.

Submissions (12):

Labcorp Genetics (formerly Invitae), Labcorp
Classification: Pathogenic. Last evaluated: 2026-01-11. Review status: criteria provided, single submitter. Criteria: Invitae Variant Classification Sherloc (09022015). Collection method: clinical testing. Allele origin: germline.
Comment: This sequence change replaces serine, which is neutral and polar, with proline, which is neutral and non-polar, at codon 350 of the NPHS1 protein (p.Ser350Pro). This variant is present in population databases (rs386833863, gnomAD 0.003%). This missense change has been observed in individuals with congenital nephrotic syndrome (PMID: 9915943, 20172850, 20507940, 27594755). ClinVar contains an entry for this variant (Variation ID: 56419). Invitae Evidence Modeling of protein sequence and biophysical properties (such as structural, functional, and spatial information, amino acid conservation, physicochemical variation, residue mobility, and thermodynamic stability) has been performed for this missense variant. However, the output from this modeling did not meet the statistical confidence thresholds required to predict the impact of this variant on NPHS1 protein function. Experimental studies have shown that this missense change affects NPHS1 function (PMID: 11726550, 15213260). This variant disrupts the p.Ser350 amino acid residue in NPHS1. Other variant(s) that disrupt this residue have been observed in individuals with NPHS1-related conditions (PMID: 27325253), which suggests that this may be a clinically significant amino acid residue. For these reasons, this variant has been classified as Pathogenic.

Natera, Inc.
Classification: Pathogenic for Finnish congenital nephrotic syndrome. Last evaluated: 2025-12-31. Review status: criteria provided, single submitter. Criteria: Natera Variant Classification Schema (03/2026). Collection method: clinical testing. Allele origin: germline.
Comment: The c.1048T>C variant in NPHS1 is a missense variant predicted to cause substitution of serine to proline at amino acid 350. This variant is rare in the general population with a frequency below the threshold expected for the associated phenotype(s). This variant has been observed in one or more individuals affected with the associated recessive disease, as either homozygous or compound heterozygous with a second variant (PMID: 20172850, 20507940, 25720465, 27594755). Functional studies show that this variant may disrupt protein function (PMID: 11726550, 15213260). Computational prediction algorithms indicate this variant is likely to affect gene or protein function. Given the available evidence, this variant is classified as Pathogenic.

CeGaT Center for Human Genetics Tuebingen
Classification: Likely pathogenic. Last evaluated: 2025-06-01. Review status: criteria provided, single submitter. Criteria: CeGaT Center For Human Genetics Tuebingen Variant Classification Criteria Version 2. Collection method: clinical testing. Allele origin: germline. Affected: yes. Observed: 1 variant allele.
Comment: NPHS1: PM3:Strong, PM2, PS3:Supporting, BP4

Fulgent Genetics
Classification: Likely pathogenic for Finnish congenital nephrotic syndrome. Last evaluated: 2024-06-13. Review status: criteria provided, single submitter. Criteria: ACMG Guidelines, 2015. Collection method: clinical testing. Allele origin: germline.

Blueprint Genetics
Classification: Pathogenic for NPHS1-related disorders. Last evaluated: 2024-05-07. Review status: criteria provided, single submitter. Criteria: ACMG Guidelines, 2015. Collection method: clinical testing. Allele origin: germline. Affected: yes. Observed: 5 variant alleles.

Victorian Clinical Genetics Services, Murdoch Childrens Research Institute
Classification: Pathogenic for Finnish congenital nephrotic syndrome. Last evaluated: 2023-07-17. Review status: criteria provided, single submitter. Criteria: ACMG Guidelines, 2015. Collection method: clinical testing. Allele origin: germline. Inheritance: Autosomal recessive inheritance. Affected: yes.
Comment: Based on the classification scheme VCGS_Germline_v1.3.4, this variant is classified as Pathogenic. Following criteria are met: 0102 - Loss of function is a known mechanism of disease in this gene and is associated with nephrotic syndrome type 1 (MIM#256300). (I) 0106 - This gene is associated with autosomal recessive disease. (I) 0200 - Variant is predicted to result in a missense amino acid change from serine to proline. (I) 0251 - This variant is heterozygous. (I) 0304 - Variant is present in gnomAD <0.01 for a recessive condition (v2 and v3: 4 heterozygotes, 0 homozygotes). (SP) 0309 - Multiple alternative amino acid changes at the same position have been observed in gnomAD (v2 highest allele count: 10 heterozygotes, 0 homozygotes). (I) 0502 - Missense variant with conflicting in silico predictions and uninformative conservation. (I) 0600 - Variant is located in the annotated CD80-like C2-set immunoglobulin domain (DECIPHER). (I) 0705 - No comparable missense variants have previous evidence for pathogenicity. Two alternative amnio acid changes at the same position, p.(Ser350Tyr) and p.(Ser350Phe), have been reported as likely pathogenic in ClinVar. However, these variants were not deemed comparable as they have a higher Grantham score. 0801 - This variant has strong previous evidence of pathogenicity in >10 unrelated individuals (ClinVar, PMID: 29127259, PMID: 27594755, PMID: 9915943, PMID: 20172850 and PMID: 20507940). (SP) 1002 - This variant has moderate functional evidence supporting abnormal protein function. Functional studies have shown that this missense change affects protein localisation (PMID: 11726550). (SP) 1102 - Strong phenotype match for this individual. (SP) 1208 - Inheritance information for this variant is not currently available in this individual. (I) Legend: (SP) - Supporting pathogenic, (I) - Information, (SB) - Supporting benign

Revvity Omics, Revvity
Classification: Pathogenic for Finnish congenital nephrotic syndrome. Last evaluated: 2022-03-17. Review status: criteria provided, single submitter. Criteria: ACMG Guidelines, 2015. Collection method: clinical testing. Allele origin: germline.

Centre for Mendelian Genomics, University Medical Centre Ljubljana
Classification: Likely pathogenic for Finnish congenital nephrotic syndrome. Last evaluated: 2020-02-18. Review status: criteria provided, single submitter. Criteria: ACMG Guidelines, 2015. Collection method: clinical testing. Allele origin: unknown. Affected: yes.
Comment: This variant was classified as: Likely pathogenic. The following ACMG criteria were applied in classifying this variant: PM2,PS4_MOD,PP3,PP4.

Broad Center for Mendelian Genomics, Broad Institute of MIT and Harvard
Classification: Likely pathogenic for Finnish congenital nephrotic syndrome. Last evaluated: 2018-06-15. Review status: no assertion criteria provided. Collection method: research. Allele origin: germline. Inheritance: Autosomal recessive inheritance. Affected: yes. Not counted in ClinVar's aggregate classification.
Comment: This variant is likely pathogenic based on multiple reports in ClinVar and the literature.

Yale Center for Mendelian Genomics, Yale University
Classification: Likely pathogenic for Nephrotic syndrome. Last evaluated: 2017-11-10. Review status: no assertion criteria provided. Collection method: literature only. Allele origin: germline. Affected: yes. Observed: 1 compound heterozygote. Study: Yale Center for Mendelian Genomics. Not counted in ClinVar's aggregate classification.

Counsyl
Classification: Likely pathogenic for Finnish congenital nephrotic syndrome. Last evaluated: 2014-10-16. Review status: no assertion criteria provided. Collection method: literature only. Allele origin: unknown. Inheritance: Autosomal recessive inheritance. Not counted in ClinVar's aggregate classification.

Juha Muilu Group; Institute for Molecular Medicine Finland (FIMM)
Classification: Likely pathogenic for Finnish congenital nephrotic syndrome. Review status: no assertion criteria provided. Collection method: not provided. Allele origin: unknown. Not counted in ClinVar's aggregate classification.
Comment: FinDis database variant: This variant was not found or characterized by our laboratory, data were collected from public sources: see reference
ClinVar note: Converted during submission from probable-pathogenic to Likely pathogenic.

Literature cited by the submitters: PubMed 9915943 (cited by 3 submitters); PubMed 20172850 (cited by 4 submitters); PubMed 20507940 (cited by 4 submitters); PubMed 27594755 (cited by 3 submitters); PubMed 11726550 (cited by 4 submitters); PubMed 15213260 (cited by 3 submitters); PubMed 27325253 (cited by Labcorp Genetics (formerly Invitae), Labcorp); PubMed 25720465 (cited by Natera, Inc.); PubMed 29127259 (cited by Victorian Clinical Genetics Services, Murdoch Childrens Research Institute and Yale Center for Mendelian Genomics, Yale University); PubMed 11317351 (cited by Counsyl).

NM_004646.4(NPHS1):c.1048T>C (p.Ser350Pro)

Gene: NPHS1 (NPHS1 adhesion molecule, nephrin; minus strand). Cytogenetic location: 19q13.12.
Variant type: single nucleotide variant.
Coding change: c.1048T>C on transcript NM_004646.4 (MANE Select); coding-DNA position 1048, T replaced by C.
Protein change: p.Ser350Pro; replaces serine 350 with proline.
Molecular consequence: missense variant.
Genome position (GRCh38, 1-based): chr19:35,848,759, A>G on the plus strand (T>C on the coding strand, the complement: NPHS1 is on the minus strand). VCF-style: chr19-35848759-A-G. GRCh37 (hg19) VCF-style: chr19-36339661-A-G.
Other names: short protein forms S350P.
Identifiers: ClinVar variation 56419 (VCV000056419.39), dbSNP rs386833863, ClinGen allele CA250083.